The following is an entry in ClinVar:

ClinVar aggregate classification (germline): Benign. Review status: criteria provided, multiple submitters, no conflicts (2 of 4 stars). 2 submissions from 2 submitters: Benign (2). Last evaluated 2018-06-19.

Allele frequency attached by ClinVar (database versions not stated): 1000 Genomes Project 30x 0.43395; 1000 Genomes Project 0.44429; TOPMed 0.46504; gnomAD 0.47988 and 0.48669; gnomAD exomes 0.60367.
gnomAD v4.1: 926,161 of 1,564,646 alleles (59%); highest among the groups gnomAD compares: Middle Eastern, 64%; 282,712 homozygotes.

Submissions (2):

GeneDx
Classification: Benign. Last evaluated: 2018-06-19. Review status: criteria provided, single submitter. Criteria: GeneDx Variant Classification (06012015). Collection method: clinical testing. Allele origin: germline. Affected: yes.
Comment: This variant is considered likely benign or benign based on one or more of the following criteria: it is a conservative change, it occurs at a poorly conserved position in the protein, it is predicted to be benign by multiple in silico algorithms, and/or has population frequency not consistent with disease.

Breakthrough Genomics
Classification: Benign. Review status: criteria provided, single submitter. Criteria: ACMG Guidelines, 2015. Collection method: not provided. Allele origin: germline. Inheritance: Autosomal recessive inheritance. Affected: yes.

NM_000404.4(GLB1):c.396+122C>A

Gene: GLB1 (galactosidase beta 1; minus strand). Cytogenetic location: 3p22.3.
Variant type: single nucleotide variant.
Coding change: c.396+122C>A on transcript NM_000404.4 (MANE Select); 122 bases into the intron after coding-DNA position 396, C replaced by A.
Molecular consequence: intron variant.
Genome position (GRCh38, 1-based): chr3:33,068,698, G>T on the plus strand (C>A on the coding strand, the complement: GLB1 is on the minus strand). VCF-style: chr3-33068698-G-T. GRCh37 (hg19) VCF-style: chr3-33110190-G-T.
Other names: c.396+122C>A (NM_001393580.1); c.246-3141C>A (NM_001135602.3); c.540+122C>A (NM_001317040.2); c.306+122C>A (NM_001079811.3).
Identifiers: ClinVar variation 678066 (VCV000678066.2), dbSNP rs11129543, ClinGen allele CA15266585.